The following is an entry in ClinVar:

ClinVar aggregate classification (germline): Pathogenic (1 of 4 stars; one submission).

Submission:

Labcorp Genetics (formerly Invitae), Labcorp
Classification: Pathogenic. Last evaluated: 2022-09-27. Review status: criteria provided, single submitter. Criteria: Invitae Variant Classification Sherloc (09022015). Collection method: clinical testing. Allele origin: germline.
Comment: For these reasons, this variant has been classified as Pathogenic. This sequence change creates a premature translational stop signal (p.Val4876Serfs*23) in the ADGRV1 gene. It is expected to result in an absent or disrupted protein product. Loss-of-function variants in ADGRV1 are known to be pathogenic (PMID: 19357117, 22135276, 22147658, 26226137, 30718709, 31047384, 32467589). This variant is not present in population databases (gnomAD no frequency). This variant has not been reported in the literature in individuals affected with ADGRV1-related conditions.

Literature cited by the submitters: PubMed 19357117; PubMed 22135276; PubMed 22147658; PubMed 26226137; PubMed 30718709; PubMed 31047384; PubMed 32467589.

NM_032119.4(ADGRV1):c.14626del (p.Val4876fs)

Gene: ADGRV1 (adhesion G protein-coupled receptor V1; plus strand). Cytogenetic location: 5q14.3.
Variant type: Deletion.
Coding change: c.14626del on transcript NM_032119.4 (MANE Select); coding-DNA position 14626, one base deleted (G; older notation c.14626delG).
Protein change: p.Val4876fs; shifts the reading frame from valine 4876.
Molecular consequence: frameshift variant. On other transcripts: non-coding transcript variant (1).
Genome position (GRCh38, 1-based): chr5:90,802,847, G deleted. VCF-style (leftmost placement, unchanged base first): chr5-90802846-TG-T. GRCh37 (hg19) VCF-style: chr5-90098663-TG-T.
Other names: short protein forms V4876fs.
Identifiers: ClinVar variation 2032947 (VCV002032947.4), dbSNP rs2532115189, ClinGen allele CA2580073776.
Genomic context (GRCh38, chr5:90,802,846, plus strand): 5'-GATGCTTGTCGGTGGACGTTTCTATGGAATGCCAACAATTCTTCAGGAAGCAAAATCTGC[TG>T]TCCTTCCAGTCTCTGAGAAAGCTGCCAATTCTCAGGTAATTGGCCCTGTGTGTGGTTCTC-3'